The following is an entry in ClinVar:

ClinVar aggregate classification (germline): Pathogenic/Likely pathogenic. Review status: criteria provided, multiple submitters, no conflicts (2 of 4 stars). 3 submissions from 3 submitters: Pathogenic (1); Likely pathogenic (2). Last evaluated 2025-02-11.

Conditions:
Nephronophthisis. Also called: Juvenile Nephronophthisis. Identifiers: Orphanet 655, MedGen C0687120, MONDO:0019005, HP:0000090.
Joubert syndrome. Also called: Familial aplasia of the vermis; JOUBERT-BOLTSHAUSER SYNDROME. Identifiers: Orphanet 475, MedGen C5979921, MONDO:0018772.
Meckel-Gruber syndrome. Also called: Dysencephalia splachnocystica; DYSENCEPHALIA SPLANCHNOCYSTICA; GRUBER SYNDROME. Identifiers: Orphanet 564, MedGen C0265215, MONDO:0018921.
CEP290-related disorder. Also called: CEP290-related condition; CEP290-related disorders. Identifiers: MedGen CN239314.
Bardet-Biedl syndrome 14 (BBS14). Identifiers: Orphanet 110, MedGen C2673874, MONDO:0014442, OMIM 615991.

Submissions (3):

Labcorp Genetics (formerly Invitae), Labcorp
Classification: Pathogenic for Joubert syndrome; Meckel-Gruber syndrome; Nephronophthisis. Last evaluated: 2025-02-11. Review status: criteria provided, single submitter. Criteria: Invitae Variant Classification Sherloc (09022015). Collection method: clinical testing. Allele origin: germline.
Comment: This sequence change creates a premature translational stop signal (p.Leu2392Glnfs*25) in the CEP290 gene. While this is not anticipated to result in nonsense mediated decay, it is expected to disrupt the last 88 amino acid(s) of the CEP290 protein. This variant is not present in population databases (gnomAD no frequency). This variant has not been reported in the literature in individuals affected with CEP290-related conditions. ClinVar contains an entry for this variant (Variation ID: 2178392). This variant disrupts a region of the CEP290 protein in which other variant(s) (p.Leu2448Thrfs*8) have been determined to be pathogenic (PMID: 16682973, 16909394, 29588463). This suggests that this is a clinically significant region of the protein, and that variants that disrupt it are likely to be disease-causing. For these reasons, this variant has been classified as Pathogenic.

Baylor Genetics
Classification: Likely pathogenic for Bardet-Biedl syndrome 14. Last evaluated: 2024-03-28. Review status: criteria provided, single submitter. Criteria: ACMG Guidelines, 2015. Collection method: clinical testing. Allele origin: unknown.

Blueprint Genetics
Classification: Likely pathogenic for CEP290-related disorders. Last evaluated: 2018-01-04. Review status: criteria provided, single submitter. Criteria: ACMG Guidelines, 2015. Collection method: clinical testing. Allele origin: germline. Affected: yes. Observed: 1 variant allele.

Literature cited by the submitters: PubMed 16682973 (cited by Labcorp Genetics (formerly Invitae), Labcorp); PubMed 16909394 (cited by Labcorp Genetics (formerly Invitae), Labcorp); PubMed 29588463 (cited by Labcorp Genetics (formerly Invitae), Labcorp).

NM_025114.4(CEP290):c.7175_7176del (p.Leu2392fs)

Gene: CEP290 (centrosomal protein 290; minus strand). Cytogenetic location: 12q21.32.
Variant type: Deletion.
Coding change: c.7175_7176del on transcript NM_025114.4 (MANE Select); coding-DNA positions 7175 to 7176, 2 bases deleted (TC; older notation c.7175_7176delTC).
Protein change: p.Leu2392fs; shifts the reading frame from leucine 2392.
Molecular consequence: frameshift variant.
Genome position (GRCh38, 1-based): chr12:88,050,387-88,050,388, GA deleted on the plus strand (TC on the coding strand, the reverse complement: CEP290 is on the minus strand); deleting any 2 consecutive bases within chr12:88,050,387-88,050,389 gives the same sequence; the c. name uses the placement nearest the transcript's 3' end. VCF-style (leftmost placement, unchanged base first): chr12-88050386-TGA-T. GRCh37 (hg19) VCF-style: chr12-88444163-TGA-T.
Other names: short protein forms L2392fs.
Identifiers: ClinVar variation 2178392 (VCV002178392.7), dbSNP rs747239148, ClinGen allele CA6711332.